The following is an entry in ClinVar:

NM_001083619.3(GRIA2):c.2406+7C>A

Gene: GRIA2 (glutamate ionotropic receptor AMPA type subunit 2; plus strand). Cytogenetic location: 4q32.1.
Variant type: single nucleotide variant.
Coding change: c.2406+7C>A on transcript NM_001083619.3 (MANE Select); 7 bases into the intron after coding-DNA position 2406, C replaced by A.
Molecular consequence: intron variant.
Genome position (GRCh38, 1-based): chr4:157,361,131, C>A. VCF-style: chr4-157361131-C-A. GRCh37 (hg19) VCF-style: chr4-158282283-C-A.
Other names: c.2265+7C>A (NM_001379000.3); c.2151-407C>A (NM_001379001.3, NM_001083620.3); c.2292-407C>A (NM_000826.6).
Identifiers: ClinVar variation 4281466 (VCV004281466.7).
Genomic context (GRCh38, chr4:157,361,131, plus strand): 5'-AACAAATGGTGGTACGACAAAGGAGAGTGCGGCAGCGGGGGAGGTGATTCCAAGGTCAGC[C>A]CCAGTGAGAAAAGTAATGGGTAACTCAATGCAAAACAAAGTAAGCAGCAGCTATGCACAG-3'

ClinVar aggregate classification (germline): Uncertain significance (1 of 4 stars; one submission).

Submission:

CeGaT Center for Human Genetics Tuebingen
Classification: Uncertain significance. Last evaluated: 2025-09-01. Review status: criteria provided, single submitter. Criteria: CeGaT Center For Human Genetics Tuebingen Variant Classification Criteria Version 2. Collection method: clinical testing. Allele origin: germline. Affected: yes. Observed: 1 variant allele.
Comment: GRIA2: PM2, PS2:Moderate, BP4